The following is an entry in ClinVar:

NM_001399.5(EDA):c.133G>C (p.Gly45Arg)

Gene: EDA (ectodysplasin A; plus strand). Cytogenetic location: Xq13.1.
Variant type: single nucleotide variant.
Coding change: c.133G>C on transcript NM_001399.5 (MANE Select); coding-DNA position 133, G replaced by C.
Protein change: p.Gly45Arg; replaces glycine 45 with arginine.
Molecular consequence: missense variant.
Genome position (GRCh38, 1-based): chrX:69,616,441, G>C. VCF-style: chrX-69616441-G-C. GRCh37 (hg19) VCF-style: chrX-68836285-G-C.
Other names: c.133G>C, p.Gly45Arg (NM_001005609.2, NM_001005610.4, NM_001005612.3 and 1 more transcripts); short protein forms G45R.
Identifiers: ClinVar variation 3724255 (VCV003724255.1).

ClinVar aggregate classification (germline): Likely pathogenic (1 of 4 stars; one submission).

Conditions:
Hypohidrotic X-linked ectodermal dysplasia (XHED). Also called: ECTODERMAL DYSPLASIA 1, HYPOHIDROTIC/HAIR/TOOTH TYPE, X-LINKED; Ectodermal Dysplasia 1, Anhidrotic; Anhidrotic ectodermal dysplasia X-linked; Christ Siemens Touraine syndrome; ECTODERMAL DYSPLASIA, HYPOHIDROTIC, 1; CST SYNDROME. Identifiers: Orphanet 181, Orphanet 238468, MedGen C0162359, MONDO:0010585, OMIM 305100.

Submission:

Labcorp Genetics (formerly Invitae), Labcorp
Classification: Likely pathogenic for Hypohidrotic X-linked ectodermal dysplasia. Last evaluated: 2024-04-25. Review status: criteria provided, single submitter. Criteria: Invitae Variant Classification Sherloc (09022015). Collection method: clinical testing. Allele origin: germline.
Comment: This sequence change replaces glycine, which is neutral and non-polar, with arginine, which is basic and polar, at codon 45 of the EDA protein (p.Gly45Arg). This variant is not present in population databases (gnomAD no frequency). This missense change has been observed in individual(s) with tooth agenesis (PMID: 27538153). Advanced modeling of protein sequence and biophysical properties (such as structural, functional, and spatial information, amino acid conservation, physicochemical variation, residue mobility, and thermodynamic stability) performed at Invitae indicates that this missense variant is expected to disrupt EDA protein function with a positive predictive value of 95%. This variant disrupts the p.Gly45 amino acid residue in EDA. Other variant(s) that disrupt this residue have been determined to be pathogenic (PMID: 22032522; Invitae). This suggests that this residue is clinically significant, and that variants that disrupt this residue are likely to be disease-causing. In summary, the currently available evidence indicates that the variant is pathogenic, but additional data are needed to prove that conclusively. Therefore, this variant has been classified as Likely Pathogenic.

Literature cited by the submitters: PubMed 27538153; PubMed 22032522.